The following is an entry in ClinVar:

NM_000147.5(FUCA1):c.1057G>T (p.Glu353Ter)

Gene: FUCA1 (alpha-L-fucosidase 1; minus strand). Cytogenetic location: 1p36.11.
Variant type: single nucleotide variant.
Coding change: c.1057G>T on transcript NM_000147.5 (MANE Select); coding-DNA position 1057, G replaced by T.
Protein change: p.Glu353Ter; replaces glutamic acid 353 with a stop codon.
Molecular consequence: nonsense. On other transcripts: non-coding transcript variant (4).
Genome position (GRCh38, 1-based): chr1:23,848,752, C>A on the plus strand (G>T on the coding strand, the complement: FUCA1 is on the minus strand). VCF-style: chr1-23848752-C-A. GRCh37 (hg19) VCF-style: chr1-24175242-C-A.
Other names: short protein forms E353*.
Identifiers: ClinVar variation 2706835 (VCV002706835.4), dbSNP rs2521635192, ClinGen allele CA339036542.

ClinVar aggregate classification (germline): Pathogenic. Review status: criteria provided, multiple submitters, no conflicts (2 of 4 stars). 2 submissions from 2 submitters: Pathogenic (2). Last evaluated 2024-02-01.

Conditions:
Fucosidosis. Also called: ALPHA-L-FUCOSIDASE DEFICIENCY. Identifiers: Orphanet 349, MedGen C0016788, MONDO:0009254, OMIM 230000.

Submissions (2):

Neuberg Centre For Genomic Medicine, NCGM
Classification: Pathogenic for Fucosidosis. Last evaluated: 2024-02-01. Review status: criteria provided, single submitter. Criteria: ACMG Guidelines, 2015. Collection method: clinical testing. Allele origin: germline. Inheritance: Autosomal recessive inheritance. Affected: yes.
Comment: The stop gained variant c.1057G>T (p.Glu353Ter) in FUCA1 gene has previously been reported in individual(s) affected with Fucosidosis (Gowda et al., 2020). This sequence change creates a premature translational stop signal (p.Glu353Ter) in the FUCA1 gene. This variant is predicted to cause loss of normal protein function through protein truncation. Loss of function variants in FUCA1 is known to be disease causing (Willems et al., 1999). For these reasons, this variant has been classified as Pathogenic.

Labcorp Genetics (formerly Invitae), Labcorp
Classification: Pathogenic for Fucosidosis. Last evaluated: 2023-12-31. Review status: criteria provided, single submitter. Criteria: Invitae Variant Classification Sherloc (09022015). Collection method: clinical testing. Allele origin: germline.
Comment: This sequence change creates a premature translational stop signal (p.Glu353*) in the FUCA1 gene. It is expected to result in an absent or disrupted protein product. Loss-of-function variants in FUCA1 are known to be pathogenic (PMID: 10094192). This variant is not present in population databases (gnomAD no frequency). This variant has not been reported in the literature in individuals affected with FUCA1-related conditions. For these reasons, this variant has been classified as Pathogenic.

Literature cited by the submitters: PubMed 10094192 (cited by Labcorp Genetics (formerly Invitae), Labcorp).